The following is an entry in ClinVar:

ClinVar aggregate classification (germline): Likely pathogenic (1 of 4 stars; one submission).

Conditions:
Nemaline myopathy 2 (NEM2). Also called: Nemaline myopathy 2, autosomal recessive. Identifiers: MedGen C1850569, MONDO:0009725, OMIM 256030.

Submission:

Myriad Genetics, Inc.
Classification: Likely pathogenic for Nemaline myopathy 2. Last evaluated: 2022-03-21. Review status: criteria provided, single submitter. Criteria: Myriad Women's Health Autosomal Recessive and X-Linked Classification Criteria (2021). Collection method: clinical testing. Allele origin: unknown.
Comment: NM_001271208.1(NEB):c.2613_2614delGA(K872Dfs*7) is expected to be pathogenic in the context of NEB-related nemaline myopathy. This variant is predicted to lead to an abnormal or absent protein product due to the creation of a premature termination codon in NEB, a gene where loss-of-function variants are known to be pathogenic. Please note: this variant was assessed in the context of healthy population screening.

NM_001164508.2(NEB):c.2613_2614del (p.Lys872fs)

Gene: NEB (nebulin; minus strand). Cytogenetic location: 2q23.3.
Variant type: Deletion.
Coding change: c.2613_2614del on transcript NM_001164508.2 (MANE Select); coding-DNA positions 2613 to 2614, 2 bases deleted (GA; older notation c.2613_2614delGA).
Protein change: p.Lys872fs; shifts the reading frame from lysine 872.
Molecular consequence: frameshift variant.
Genome position (GRCh38, 1-based): chr2:151,687,442-151,687,443, TC deleted on the plus strand (GA on the coding strand, the reverse complement: NEB is on the minus strand). VCF-style (leftmost placement, unchanged base first): chr2-151687441-TTC-T. GRCh37 (hg19) VCF-style: chr2-152543955-TTC-T.
Other names: c.2613_2614del, p.Lys872fs (NM_001164507.2, NM_001271208.2, NM_004543.5); short protein forms K872fs.
Identifiers: ClinVar variation 1725438 (VCV001725438.2), dbSNP rs2552266072, ClinGen allele CA2580064066.
Genomic context (GRCh38, chr2:151,687,441, plus strand): 5'-CCATCTTGAAAACAAGACAGATTCACAAAGACACTCACATCACTCTGGTTTTTGGCTGTC[TTC>T]AAGGAGTGCAGCATCTTTGGATCGTCATTAATGCTGAGGGCTCCAATCATTTTCCCTTTG-3'